The following is an entry in ClinVar:

NM_001130823.3(DNMT1):c.-45C>T

Gene: DNMT1 (DNA methyltransferase 1; minus strand). Cytogenetic location: 19p13.2.
Variant type: single nucleotide variant.
Coding change: c.-45C>T on transcript NM_001130823.3 (MANE Select); 45 bases upstream of the start codon, C replaced by T.
Molecular consequence: 5 prime UTR variant.
Genome position (GRCh38, 1-based): chr19:10,194,944, G>A on the plus strand (C>T on the coding strand, the complement: DNMT1 is on the minus strand). VCF-style: chr19-10194944-G-A. GRCh37 (hg19) VCF-style: chr19-10305620-G-A.
Other names: c.-45C>T (LRG_362t1, NM_001318730.2, NM_001379.4); c.-368C>T (NM_001318731.2).
Identifiers: ClinVar variation 386113 (VCV000386113.1), dbSNP rs375666082, ClinGen allele CA9188913.

ClinVar aggregate classification (germline): Likely benign (1 of 4 stars; one submission).

Allele frequency attached by ClinVar (database versions not stated): gnomAD exomes 0.00008 and 0.00011; ESP Exome Variant Server 0.00009; ExAC 0.00012; gnomAD 0.00014 and 0.00015; TOPMed 0.00018.
gnomAD v4.1: 178 of 1,570,852 alleles (0.011%); highest among the groups gnomAD compares: Non-Finnish European, 0.013%; no homozygotes.

Submission:

GeneDx
Classification: Likely benign. Last evaluated: 2016-12-02. Review status: criteria provided, single submitter. Criteria: GeneDx Variant Classification (06012015). Collection method: clinical testing. Allele origin: germline. Affected: yes.
Comment: This variant is considered likely benign or benign based on one or more of the following criteria: it is a conservative change, it occurs at a poorly conserved position in the protein, it is predicted to be benign by multiple in silico algorithms, and/or has population frequency not consistent with disease.